The following is an entry in ClinVar:

NM_001242957.3(MAK):c.31_34dup (p.Asp12fs)

Gene: MAK (male germ cell associated kinase; minus strand). Cytogenetic location: 6p24.2.
Variant type: Duplication.
Coding change: c.31_34dup on transcript NM_001242957.3 (MANE Select); coding-DNA positions 31 to 34, 4 bases duplicated (GGGG; older notation c.31_34dupGGGG).
Protein change: p.Asp12fs; shifts the reading frame from aspartic acid 12.
Molecular consequence: frameshift variant. On other transcripts: non-coding transcript variant (2), intron variant (1).
Genome position (GRCh38, 1-based): chr6:10,830,615-10,830,618, CCCC duplicated on the plus strand (GGGG on the coding strand, the reverse complement: MAK is on the minus strand); duplicating any 4 consecutive bases within chr6:10,830,615-10,830,619 gives the same sequence; the c. name uses the placement nearest the transcript's 3' end. VCF-style (leftmost placement, unchanged base first): chr6-10830614-T-TCCCC. GRCh37 (hg19) VCF-style: chr6-10830847-T-TCCCC.
Other names: c.31_34dup, p.Asp12fs (NM_001242385.2, NM_005906.6); c.-2+7885_-2+7888dup (NM_001377262.1); short protein forms D12fs.
Identifiers: ClinVar variation 2755810 (VCV002755810.3), dbSNP rs2532654334, ClinGen allele CA2697546639.
Genomic context (GRCh38, chr6:10,830,614, plus strand): 5'-ATGGCCACCAGCTCCCCGGATTCATTACTCTTGCCCATAAGCACACTCCCATACGTGCCG[T>TCCCC]CCCCCAACTGTCTCATGGTTGTGTATCGGTTCATCTTGGAAAAATAATGCAGCAGAAGTT-3'

ClinVar aggregate classification (germline): Pathogenic (1 of 4 stars; one submission).

Submission:

Labcorp Genetics (formerly Invitae), Labcorp
Classification: Pathogenic. Last evaluated: 2023-12-19. Review status: criteria provided, single submitter. Criteria: Invitae Variant Classification Sherloc (09022015). Collection method: clinical testing. Allele origin: germline.
Comment: This sequence change creates a premature translational stop signal (p.Asp12Glyfs*14) in the MAK gene. It is expected to result in an absent or disrupted protein product. Loss-of-function variants in MAK are known to be pathogenic (PMID: 21148103, 21825139, 24938718, 29781741). This variant is not present in population databases (gnomAD no frequency). This variant has not been reported in the literature in individuals affected with MAK-related conditions. Algorithms developed to predict the effect of sequence changes on RNA splicing suggest that this variant may disrupt the consensus splice site. For these reasons, this variant has been classified as Pathogenic.

Literature cited by the submitters: PubMed 21148103; PubMed 21825139; PubMed 24938718; PubMed 29781741.